The following is an entry in ClinVar:

NM_001171155.2(PET100):c.114+4G>A

Genes: PET100 (PET100 cytochrome c oxidase chaperone; plus strand), STXBP2 (syntaxin binding protein 2; plus strand). Cytogenetic location: 19p13.2.
Variant type: single nucleotide variant.
Coding change: c.114+4G>A on transcript NM_001171155.2 (MANE Select); 4 bases into the intron after coding-DNA position 114, G replaced by A.
Molecular consequence: intron variant.
Genome position (GRCh38, 1-based): chr19:7,630,663, G>A. VCF-style: chr19-7630663-G-A. GRCh37 (hg19) VCF-style: chr19-7695549-G-A.
Other names: c.114+4G>A (NM_001171155.1).
Identifiers: ClinVar variation 1384124 (VCV001384124.5), dbSNP rs963397184, ClinGen allele CA304898501.
Genomic context (GRCh38, chr19:7,630,663, plus strand): 5'-ATGTTCTGGGTTTCCAATCAGGCCGAGTGGTTTGAGGACGATGTCATACAGCGCAAGGTG[G>A]GCATAAGAGGAGTGTTTGAGGGTTCATTCCAGGGGTGGGAGAGGGTGTGGGGCAGCAGTC-3'

ClinVar aggregate classification (germline): Uncertain significance. Review status: criteria provided, single submitter (1 of 4 stars). 2 submissions from 2 submitters: Uncertain significance (1). 1 of the submissions does not count toward it. Last evaluated 2021-12-02.

Conditions:
PET100-related disorder. Also called: PET100-related condition.

Allele frequency attached by ClinVar (database versions not stated): gnomAD 0.00001 and 0.00002; gnomAD exomes 0.00001 and 0.00002; TOPMed 0.00001.
gnomAD v4.1: 11 of 1,536,678 alleles (0.00072%); highest among the groups gnomAD compares: Middle Eastern, 0.017%; no homozygotes.

Submissions (2):

Labcorp Genetics (formerly Invitae), Labcorp
Classification: Uncertain significance. Last evaluated: 2021-12-02. Review status: criteria provided, single submitter. Criteria: Invitae Variant Classification Sherloc (09022015). Collection method: clinical testing. Allele origin: germline.
Comment: This sequence change falls in intron 2 of the PET100 gene. It does not directly change the encoded amino acid sequence of the PET100 protein. It affects a nucleotide within the consensus splice site. This variant is present in population databases (no rsID available, gnomAD 0.01%). This variant has not been reported in the literature in individuals affected with PET100-related conditions. Variants that disrupt the consensus splice site are a relatively common cause of aberrant splicing (PMID: 17576681, 9536098). Algorithms developed to predict the effect of sequence changes on RNA splicing suggest that this variant is not likely to affect RNA splicing. In summary, the available evidence is currently insufficient to determine the role of this variant in disease. Therefore, it has been classified as a Variant of Uncertain Significance.

PreventionGenetics, part of Exact Sciences
Classification: Likely benign for PET100-related condition. Last evaluated: 2020-03-18. Review status: no assertion criteria provided. Collection method: clinical testing. Allele origin: germline. Not counted in ClinVar's aggregate classification.
Comment: This variant is classified as likely benign based on ACMG/AMP sequence variant interpretation guidelines (Richards et al. 2015 PMID: 25741868, with internal and published modifications).

Literature cited by the submitters: PubMed 17576681 (cited by Labcorp Genetics (formerly Invitae), Labcorp); PubMed 9536098 (cited by Labcorp Genetics (formerly Invitae), Labcorp).